The following is an entry in ClinVar:

ClinVar aggregate classification (germline): Pathogenic (1 of 4 stars; one submission).

Conditions:
Propionic acidemia (PROP). Also called: GLYCINEMIA, KETOTIC; HYPERGLYCINEMIA WITH KETOACIDOSIS AND LEUKOPENIA; KETOTIC HYPERGLYCINEMIA. Identifiers: Orphanet 35, MedGen C0268579, MONDO:0011628, OMIM 606054, HP:0003571.

Submission:

Labcorp Genetics (formerly Invitae), Labcorp
Classification: Pathogenic for Propionic acidemia. Last evaluated: 2022-07-19. Review status: criteria provided, single submitter. Criteria: Invitae Variant Classification Sherloc (09022015). Collection method: clinical testing. Allele origin: germline.
Comment: This variant is a gross deletion of the genomic region encompassing exon(s) 7-14 of the PCCA gene. This variant would be expected to be in-frame, preserving the integrity of the reading frame. This variant has not been reported in the literature in individuals affected with PCCA-related conditions. This variant disrupts a region of the PCCA protein in which other variant(s) (p.Gln293Arg) have been determined to be pathogenic (PMID: 23430860, 27227689; Invitae). This suggests that this is a clinically significant region of the protein, and that variants that disrupt it are likely to be disease-causing. For these reasons, this variant has been classified as Pathogenic.

Literature cited by the submitters: PubMed 23430860; PubMed 27227689.

NC_000013.10:g.(?_100861576)_(100955262_?)del

Gene: PCCA (propionyl-CoA carboxylase subunit alpha; plus strand). Cytogenetic location: 13q32.3.
Variant type: Deletion.
Identifiers: ClinVar variation 1508488 (VCV001508488.6).